The following is an entry in ClinVar:

ClinVar aggregate classification (germline): Pathogenic (1 of 4 stars; one submission).

Submission:

Labcorp Genetics (formerly Invitae), Labcorp
Classification: Pathogenic. Last evaluated: 2023-04-28. Review status: criteria provided, single submitter. Criteria: Invitae Variant Classification Sherloc (09022015). Collection method: clinical testing. Allele origin: unknown.
Comment: A similar copy number variant has been observed in individual(s) with clinical features of COL4A3-related conditions (Invitae). This variant is a gross deletion of the genomic region encompassing exon(s) 16-17 of the COL4A3 gene. This variant would be expected to be in-frame, preserving the integrity of the reading frame. This variant disrupts a region of the COL4A3 protein in which other variant(s) (p.Gly300Arg) have been determined to be pathogenic (PMID: 25575550, 26809805; Invitae). This suggests that this is a clinically significant region of the protein, and that variants that disrupt it are likely to be disease-causing. For these reasons, this variant has been classified as Pathogenic.

Literature cited by the submitters: PubMed 25575550; PubMed 26809805.

NC_000002.11:g.(?_228120722)_(228121132_?)del

Gene: COL4A3 (collagen type IV alpha 3 chain; plus strand). Cytogenetic location: 2q36.3.
Variant type: Deletion.
Identifiers: ClinVar variation 3247436 (VCV003247436.1).